The following is an entry in ClinVar:

NM_016239.4(MYO15A):c.3127_3135del (p.Asp1043_Thr1045del)

Gene: MYO15A (myosin XVA; plus strand). Cytogenetic location: 17p11.2.
Variant type: Deletion.
Coding change: c.3127_3135del on transcript NM_016239.4 (MANE Select); coding-DNA positions 3127 to 3135, 9 bases deleted (GATATCACT; older notation c.3127_3135delGATATCACT).
Protein change: p.Asp1043_Thr1045del.
Molecular consequence: inframe deletion.
Genome position (GRCh38, 1-based): chr17:18,121,927-18,121,935, GATATCACT deleted. VCF-style (leftmost placement, unchanged base first): chr17-18121926-GGATATCACT-G. GRCh37 (hg19) VCF-style: chr17-18025240-GGATATCACT-G.
Identifiers: ClinVar variation 1507506 (VCV001507506.5), dbSNP rs1002944160, ClinGen allele CA288389578.

ClinVar aggregate classification (germline): Uncertain significance (1 of 4 stars; one submission).

Allele frequency attached by ClinVar (database versions not stated): gnomAD exomes below 0.00001; gnomAD 0.00001; TOPMed 0.00002.

Submission:

Labcorp Genetics (formerly Invitae), Labcorp
Classification: Uncertain significance. Last evaluated: 2022-10-13. Review status: criteria provided, single submitter. Criteria: Invitae Variant Classification Sherloc (09022015). Collection method: clinical testing. Allele origin: germline.
Comment: This variant, c.3127_3135del, results in the deletion of 3 amino acid(s) of the MYO15A protein (p.Asp1043_Thr1045del), but otherwise preserves the integrity of the reading frame. This variant is not present in population databases (gnomAD no frequency). This variant has not been reported in the literature in individuals affected with MYO15A-related conditions. ClinVar contains an entry for this variant (Variation ID: 1507506). In summary, the available evidence is currently insufficient to determine the role of this variant in disease. Therefore, it has been classified as a Variant of Uncertain Significance.